The following is an entry in ClinVar:

ClinVar aggregate classification (germline): Likely benign (1 of 4 stars; one submission).

Submission:

CeGaT Center for Human Genetics Tuebingen
Classification: Likely benign. Last evaluated: 2022-03-01. Review status: criteria provided, single submitter. Criteria: CeGaT Center For Human Genetics Tuebingen Variant Classification Criteria Version 2. Collection method: clinical testing. Allele origin: germline. Affected: yes. Observed: 1 variant allele.
Comment: PCDHGA7: PM2:Supporting, BP4, BP7

NM_018920.4(PCDHGA7):c.2022C>T (p.Asp674=)

Genes: PCDHG@ (protocadherin gamma cluster; plus strand), PCDHGA1 (protocadherin gamma subfamily A, 1; plus strand), PCDHGA2 (protocadherin gamma subfamily A, 2; plus strand), PCDHGA3 (protocadherin gamma subfamily A, 3; plus strand), PCDHGA4 (protocadherin gamma subfamily A, 4; plus strand) and 6 more. Cytogenetic location: 5q31.3.
Variant type: single nucleotide variant.
Coding change: c.2022C>T on transcript NM_018920.4 (MANE Select); coding-DNA position 2022, C replaced by T.
Protein change: p.Asp674=; no amino-acid change (aspartic acid 674 retained).
Molecular consequence: synonymous variant. On other transcripts: intron variant (9).
Genome position (GRCh38, 1-based): chr5:141,384,921, C>T. VCF-style: chr5-141384921-C-T. GRCh37 (hg19) VCF-style: chr5-140764488-C-T.
Other names: c.2022C>T, p.Asp674= (NM_032087.3); c.2421+51816C>T (NM_018912.3); c.2424+43526C>T (NM_018915.4); c.2424+38464C>T (NM_018916.4); c.2409+32252C>T (NM_018922.3); c.2514+27300C>T (NM_018917.4); c.2421+22365C>T (NM_018923.3); c.2421+18170C>T (NM_018918.3); and 2 more.
Identifiers: ClinVar variation 2655849 (VCV002655849.24), dbSNP rs2482124122, ClinGen allele CA447077555.